The following is an entry in ClinVar:

ClinVar aggregate classification (germline): Likely pathogenic (1 of 4 stars; one submission).

Conditions:
Spastic paraplegia. Identifiers: MedGen C0037772, HP:0001258.

Submission:

Labcorp Genetics (formerly Invitae), Labcorp
Classification: Likely pathogenic for Spastic paraplegia. Last evaluated: 2021-05-03. Review status: criteria provided, single submitter. Criteria: Invitae Variant Classification Sherloc (09022015). Collection method: clinical testing. Allele origin: germline.
Comment: This sequence change affects the initiator methionine of the KDM5C mRNA. The next in-frame methionine is located at codon 166. In summary, the currently available evidence indicates that the variant is pathogenic, but additional data are needed to prove that conclusively. Therefore, this variant has been classified as Likely Pathogenic. A different initiator codon variant (c.2T>C) has been reported in individuals affected with X-linked intellectual disability (PMID: 25666439, 22326837). Experimental studies show that this variant results in the production of an unstable, truncated protein that lacks detectable demethylase activity (PMID: 25666439). This suggests that the methionine residue is critical for KDM5C protein function and that other substitutions at this position may also be pathogenic. This variant has not been reported in the literature in individuals with KDM5C-related disease. This variant is not present in population databases (ExAC no frequency).

Literature cited by the submitters: PubMed 25666439; PubMed 22326837.

NM_004187.5(KDM5C):c.1A>G (p.Met1Val)

Gene: KDM5C (lysine demethylase 5C; minus strand). Cytogenetic location: Xp11.22.
Variant type: single nucleotide variant.
Coding change: c.1A>G on transcript NM_004187.5 (MANE Select); coding-DNA position 1, A replaced by G.
Protein change: p.Met1Val; changes the start codon (methionine 1).
Molecular consequence: missense variant, initiator codon variant. On other transcripts: non-coding transcript variant (3).
Genome position (GRCh38, 1-based): chrX:53,224,889, T>C on the plus strand (A>G on the coding strand, the complement: KDM5C is on the minus strand). VCF-style: chrX-53224889-T-C. GRCh37 (hg19) VCF-style: chrX-53254071-T-C.
Other names: c.1A>G, p.Met1Val (NM_001146702.2, NM_001282622.3, NM_001353978.3 and 4 more transcripts); short protein forms M1V.
Identifiers: ClinVar variation 579097 (VCV000579097.9), dbSNP rs1569285562, ClinGen allele CA413134698.